The following is an entry in ClinVar:

NM_014856.3(DENND4B):c.2828G>C (p.Trp943Ser)

Gene: DENND4B (DENN domain containing 4B; minus strand). Cytogenetic location: 1q21.3.
Variant type: single nucleotide variant.
Coding change: c.2828G>C on transcript NM_014856.3 (MANE Select); coding-DNA position 2828, G replaced by C.
Protein change: p.Trp943Ser; replaces tryptophan 943 with serine.
Molecular consequence: missense variant.
Genome position (GRCh38, 1-based): chr1:153,934,248, C>G on the plus strand (G>C on the coding strand, the complement: DENND4B is on the minus strand). VCF-style: chr1-153934248-C-G. GRCh37 (hg19) VCF-style: chr1-153906724-C-G.
Other names: c.2861G>C, p.Trp954Ser (NM_001367466.1); short protein forms W943S, W954S.
Identifiers: ClinVar variation 599506 (VCV000599506.3), dbSNP rs201381125, ClinGen allele CA1121329.

ClinVar aggregate classification (germline): Conflicting classifications of pathogenicity. Review status: no assertion criteria provided (0 of 4 stars). 2 submissions from 2 submitters: Uncertain significance (1); Likely benign (1). Last evaluated 2022-02-27.

Conditions:
Short stature. Identifiers: MedGen C0349588, HP:0004322.
DENND4B-related disorder. Also called: DENND4B-related condition.

Allele frequency attached by ClinVar (database versions not stated): gnomAD exomes 0.00015 and 0.00043; gnomAD 0.00017 and 0.00044; TOPMed 0.00018; ExAC 0.00072; 1000 Genomes Project 0.00379; 1000 Genomes Project 30x 0.00437.
gnomAD v4.1: 390 of 1,599,776 alleles (0.024%); highest among the groups gnomAD compares: East Asian, 0.25%; 5 homozygotes.

Submissions (2):

PreventionGenetics, part of Exact Sciences
Classification: Likely benign for DENND4B-related condition. Last evaluated: 2022-02-27. Review status: no assertion criteria provided. Collection method: clinical testing. Allele origin: germline.
Comment: This variant is classified as likely benign based on ACMG/AMP sequence variant interpretation guidelines (Richards et al. 2015 PMID: 25741868, with internal and published modifications).

Institute of Human Genetics, FAU Erlangen, Friedrich-Alexander-Universität Erlangen-Nürnberg
Classification: Uncertain significance for Short stature. Last evaluated: 2001-11-18. Review status: no assertion criteria provided. Collection method: case-control. Allele origin: unknown. Affected: yes.